The following is an entry in ClinVar:

NM_002691.4(POLD1):c.1049_1070dup (p.Arg358fs)

Gene: POLD1 (DNA polymerase delta 1, catalytic subunit; plus strand). Cytogenetic location: 19q13.33.
Variant type: Duplication.
Coding change: c.1049_1070dup on transcript NM_002691.4 (MANE Select); coding-DNA positions 1049 to 1070, 22 bases duplicated (TCCTACGCCTGGCGCTCACCCT).
Protein change: p.Arg358fs; shifts the reading frame from arginine 358.
Molecular consequence: frameshift variant. On other transcripts: non-coding transcript variant (1).
Genome position (GRCh38, 1-based): chr19:50,403,131-50,403,152, TCCTACGCCTGGCGCTCACCCT duplicated; duplicating any 22 consecutive bases within chr19:50,403,127-50,403,152 gives the same sequence; the c. name uses the placement nearest the transcript's 3' end. VCF-style (leftmost placement, unchanged base first): chr19-50403126-G-GCCCTTCCTACGCCTGGCGCTCA. GRCh37 (hg19) VCF-style: chr19-50906383-G-GCCCTTCCTACGCCTGGCGCTCA.
Other names: c.1049_1070dupTCCTACGCCTGGCGCTCACCCT (NM_002691.3); c.1049_1070dup, p.Arg358fs (NM_001256849.1, NM_001308632.1); short protein forms R358fs.
Identifiers: ClinVar variation 412518 (VCV000412518.8), dbSNP rs1555790419, ClinGen allele CA16616369.
Genomic context (GRCh38, chr19:50,403,126, plus strand): 5'-GCCTGAGCGGGACCCTGTCATCCAGATCTGCTCGCTGGGCCTGCGCTGGGGGGAGCCGGA[G>GCCCTTCCTACGCCTGGCGCTCA]CCCTTCCTACGCCTGGCGCTCACCCTGCGGCCCTGTGCCCCCATCCTGGGTGCCAAGGTG-3'

ClinVar aggregate classification (germline): Uncertain significance (1 of 4 stars; one submission).

Conditions:
POLD1-related polyposis and colorectal cancer syndrome (CRCS10). Also called: Colorectal cancer, susceptibility to, 10; Colorectal cancer 10; COLORECTAL CANCER, SUSCEPTIBILITY TO, ON CHROMOSOME 19q. Identifiers: Orphanet 220460, MedGen C2675481, MONDO:0012953, OMIM 612591.

Submission:

Labcorp Genetics (formerly Invitae), Labcorp
Classification: Uncertain significance for POLD1-related polyposis and colorectal cancer syndrome. Last evaluated: 2023-12-18. Review status: criteria provided, single submitter. Criteria: Invitae Variant Classification Sherloc (09022015). Collection method: clinical testing. Allele origin: germline.
Comment: This sequence change creates a premature translational stop signal (p.Arg358Profs*284) in the POLD1 gene. It is expected to result in an absent or disrupted protein product. However, the current clinical and genetic evidence is not sufficient to establish whether loss-of-function variants in POLD1 cause disease. This variant is not present in population databases (gnomAD no frequency). This variant has not been reported in the literature in individuals affected with POLD1-related conditions. ClinVar contains an entry for this variant (Variation ID: 412518). In summary, the available evidence is currently insufficient to determine the role of this variant in disease. Therefore, it has been classified as a Variant of Uncertain Significance.